The following is an entry in ClinVar:

ClinVar aggregate classification (germline): Uncertain significance (1 of 4 stars; one submission).

gnomAD v4.1: 1 of 1,614,198 alleles (0.000062%); highest among the groups gnomAD compares: Non-Finnish European, 0.000085%; no homozygotes.

Submission:

GeneDx
Classification: Uncertain significance. Last evaluated: 2025-05-27. Review status: criteria provided, single submitter. Criteria: GeneDx Variant Classification Process June 2021. Collection method: clinical testing. Allele origin: germline. Affected: yes.
Comment: Not observed at significant frequency in large population cohorts (gnomAD); In silico analysis supports that this missense variant has a deleterious effect on protein structure/function; Has not been previously published as pathogenic or benign to our knowledge

NM_001273.5(CHD4):c.1210G>A (p.Ala404Thr)

Gene: CHD4 (chromodomain helicase DNA binding protein 4; minus strand). Cytogenetic location: 12p13.31.
Variant type: single nucleotide variant.
Coding change: c.1210G>A on transcript NM_001273.5 (MANE Select); coding-DNA position 1210, G replaced by A.
Protein change: p.Ala404Thr; replaces alanine 404 with threonine.
Molecular consequence: missense variant.
Genome position (GRCh38, 1-based): chr12:6,600,249, C>T on the plus strand (G>A on the coding strand, the complement: CHD4 is on the minus strand). VCF-style: chr12-6600249-C-T. GRCh37 (hg19) VCF-style: chr12-6709415-C-T.
Other names: c.1189G>A, p.Ala397Thr (NM_001297553.2); c.1171G>A, p.Ala391Thr (NM_001363606.2); short protein forms A391T, A397T, A404T.
Identifiers: ClinVar variation 4532421 (VCV004532421.1).